The following is an entry in ClinVar:

NM_003742.4(ABCB11):c.1881dup (p.Gly628fs)

Gene: ABCB11 (ATP binding cassette subfamily B member 11; minus strand). Cytogenetic location: 2q31.1.
Variant type: Duplication.
Coding change: c.1881dup on transcript NM_003742.4 (MANE Select); coding-DNA position 1881, one base duplicated (T; older notation c.1881dupT).
Protein change: p.Gly628fs; shifts the reading frame from glycine 628.
Molecular consequence: frameshift variant.
Genome position (GRCh38, 1-based): chr2:168,969,480, A duplicated on the plus strand (T on the coding strand, the reverse complement: ABCB11 is on the minus strand); the first of 2 consecutive A bases (chr2:168,969,480-168,969,481); duplicating either gives the same sequence. VCF-style (leftmost placement, unchanged base first): chr2-168969479-C-CA. GRCh37 (hg19) VCF-style: chr2-169825989-C-CA.
Other names: short protein forms G628fs.
Identifiers: ClinVar variation 4846028 (VCV004846028.1).

ClinVar aggregate classification (germline): Pathogenic (1 of 4 stars; one submission).

Conditions:
Familial intrahepatic cholestasis. Identifiers: Orphanet 284385, MedGen CN296401, MONDO:0017290.

Submission:

Genomenon, Inc
Classification: Pathogenic for Familial intrahepatic cholestasis. Last evaluated: 2026-04-14. Review status: criteria provided, single submitter. Criteria: Genomenon Sequence Variant Interpretation Standards - Updated. Collection method: curation. Allele origin: germline. Affected: yes.
Comment: ABCB11 p.Gly628TrpfsTer3 (c.1881dup) is a frameshift variant that results in the production of a truncated protein which is predicted to undergo nonsense-mediated mRNA decay. This variant has been observed in at least one proband with an ABCB11-related disorder (PMID:25771912). It is absent or not present at a significant frequency in gnomAD. In conclusion, we classify ABCB11 p.Gly628TrpfsTer3 (c.1881dup) as a pathogenic variant.

Literature cited by the submitters: PubMed 25771912.